The following is an entry in ClinVar:

ClinVar aggregate classification (germline): Uncertain significance (1 of 4 stars; one submission).

Conditions:
Peroxisome biogenesis disorder, complementation group K (CGK). Identifiers: MedGen C1866257, MONDO:0800365.

Allele frequency attached by ClinVar (database versions not stated): TOPMed below 0.00001; gnomAD exomes 0.00002 and 0.00003; ExAC 0.00003; gnomAD 0.00003 and 0.00004.
gnomAD v4.1: 30 of 1,613,812 alleles (0.0019%); highest among the groups gnomAD compares: Admixed American, 0.013%; no homozygotes.

Submission:

Labcorp Genetics (formerly Invitae), Labcorp
Classification: Uncertain significance for Peroxisome biogenesis disorder, complementation group K. Last evaluated: 2025-03-10. Review status: criteria provided, single submitter. Criteria: Invitae Variant Classification Sherloc (09022015). Collection method: clinical testing. Allele origin: germline.
Comment: This sequence change replaces arginine, which is basic and polar, with glutamine, which is neutral and polar, at codon 107 of the PEX14 protein (p.Arg107Gln). This variant is present in population databases (rs774125017, gnomAD 0.02%). This variant has not been reported in the literature in individuals affected with PEX14-related conditions. ClinVar contains an entry for this variant (Variation ID: 1397496). Invitae Evidence Modeling of protein sequence and biophysical properties (such as structural, functional, and spatial information, amino acid conservation, physicochemical variation, residue mobility, and thermodynamic stability) indicates that this missense variant is expected to disrupt PEX14 protein function with a positive predictive value of 80%. In summary, the available evidence is currently insufficient to determine the role of this variant in disease. Therefore, it has been classified as a Variant of Uncertain Significance.

NM_004565.3(PEX14):c.320G>A (p.Arg107Gln)

Gene: PEX14 (peroxisomal biogenesis factor 14; plus strand). Cytogenetic location: 1p36.22.
Variant type: single nucleotide variant.
Coding change: c.320G>A on transcript NM_004565.3 (MANE Select); coding-DNA position 320, G replaced by A.
Protein change: p.Arg107Gln; replaces arginine 107 with glutamine.
Molecular consequence: missense variant.
Genome position (GRCh38, 1-based): chr1:10,618,353, G>A. VCF-style: chr1-10618353-G-A. GRCh37 (hg19) VCF-style: chr1-10678410-G-A.
Other names: short protein forms R107Q.
Identifiers: ClinVar variation 1397496 (VCV001397496.4), dbSNP rs774125017, ClinGen allele CA583802.